The following is an entry in ClinVar:

NM_000186.4(CFH):c.86A>G (p.Asn29Ser)

Gene: CFH (complement factor H; plus strand). Cytogenetic location: 1q31.3.
Variant type: single nucleotide variant.
Coding change: c.86A>G on transcript NM_000186.4 (MANE Select); coding-DNA position 86, A replaced by G.
Protein change: p.Asn29Ser; replaces asparagine 29 with serine.
Molecular consequence: missense variant.
Genome position (GRCh38, 1-based): chr1:196,673,005, A>G. VCF-style: chr1-196673005-A-G. GRCh37 (hg19) VCF-style: chr1-196642135-A-G.
Other names: c.86A>G, p.Asn29Ser (NM_001014975.3); short protein forms N29S.
Identifiers: ClinVar variation 4734598 (VCV004734598.1).

ClinVar aggregate classification (germline): Uncertain significance (1 of 4 stars; one submission).

Submission:

Labcorp Genetics (formerly Invitae), Labcorp
Classification: Uncertain significance. Last evaluated: 2026-01-02. Review status: criteria provided, single submitter. Criteria: Invitae Variant Classification Sherloc (09022015). Collection method: clinical testing. Allele origin: germline.
Comment: This sequence change replaces asparagine, which is neutral and polar, with serine, which is neutral and polar, at codon 29 of the CFH protein (p.Asn29Ser). This variant is not present in population databases (gnomAD no frequency). This variant has not been reported in the literature in individuals affected with CFH-related conditions. An algorithm developed to predict the effect of missense changes on protein structure and function outputs the following: PolyPhen-2: "Benign". The serine amino acid residue is found in multiple mammalian species, which suggests that this missense change does not adversely affect protein function. In summary, the available evidence is currently insufficient to determine the role of this variant in disease. Therefore, it has been classified as a Variant of Uncertain Significance.